The following is an entry in ClinVar:

ClinVar aggregate classification (germline): Uncertain significance (1 of 4 stars; one submission).

Conditions:
Inborn genetic diseases. Identifiers: MedGen C0950123, MeSH D030342.

Allele frequency attached by ClinVar (database versions not stated): gnomAD exomes below 0.00001; TOPMed below 0.00001.
gnomAD v4.1: 1 of 1,614,152 alleles (0.000062%); highest among the groups gnomAD compares: East Asian, 0.0022%; no homozygotes.

Submission:

Ambry Genetics
Classification: Uncertain significance for Inborn genetic diseases. Last evaluated: 2023-03-18. Review status: criteria provided, single submitter. Criteria: Ambry Variant Classification Scheme 2023. Collection method: clinical testing. Allele origin: germline.
Comment: The p.G95V variant (also known as c.284G>T), located in coding exon 2 of the MIB1 gene, results from a G to T substitution at nucleotide position 284. The glycine at codon 95 is replaced by valine, an amino acid with dissimilar properties. This amino acid position is conserved. In addition, this alteration is predicted to be deleterious by in silico analysis. Since supporting evidence is limited at this time, the clinical significance of this alteration remains unclear.

NM_020774.4(MIB1):c.284G>T (p.Gly95Val)

Gene: MIB1 (MIB E3 ubiquitin protein ligase 1; plus strand). Cytogenetic location: 18q11.2.
Variant type: single nucleotide variant.
Coding change: c.284G>T on transcript NM_020774.4 (MANE Select); coding-DNA position 284, G replaced by T.
Protein change: p.Gly95Val; replaces glycine 95 with valine.
Molecular consequence: missense variant.
Genome position (GRCh38, 1-based): chr18:21,765,826, G>T. VCF-style: chr18-21765826-G-T. GRCh37 (hg19) VCF-style: chr18-19345787-G-T.
Other names: short protein forms G95V.
Identifiers: ClinVar variation 2563667 (VCV002563667.2), dbSNP rs1178939143, ClinGen allele CA401760866.